The following is an entry in ClinVar:

ClinVar aggregate classification (germline): Uncertain significance (1 of 4 stars; one submission).

Submission:

GeneDx
Classification: Uncertain significance. Last evaluated: 2026-04-14. Review status: criteria provided, single submitter. Criteria: GeneDx Variant Classification Process June 2021. Collection method: clinical testing. Allele origin: germline.
Comment: Has not been previously published as pathogenic or benign to our knowledge; No data available from control populations to assess the frequency of this variant; In silico analysis suggests this variant may impact gene splicing. In the absence of RNA/functional studies, the actual effect of this sequence change is unknown.

NM_130847.3(AMOTL1):c.1794+821A>G

Gene: AMOTL1 (angiomotin like 1; plus strand). Cytogenetic location: 11q21.
Variant type: single nucleotide variant.
Coding change: c.1794+821A>G on transcript NM_130847.3 (MANE Select); 821 bases into the intron after coding-DNA position 1794, A replaced by G.
Molecular consequence: intron variant.
Genome position (GRCh38, 1-based): chr11:94,851,080, A>G. VCF-style: chr11-94851080-A-G. GRCh37 (hg19) VCF-style: chr11-94584245-A-G.
Other names: c.1644+821A>G (NM_001301007.2).
Identifiers: ClinVar variation 5037123 (VCV005037123.1).